The following is an entry in ClinVar:

NM_000891.3(KCNJ2):c.106A>G (p.Lys36Glu)

Gene: KCNJ2 (potassium inwardly rectifying channel subfamily J member 2; plus strand). Cytogenetic location: 17q24.3.
Variant type: single nucleotide variant.
Coding change: c.106A>G on transcript NM_000891.3 (MANE Select); coding-DNA position 106, A replaced by G.
Protein change: p.Lys36Glu; replaces lysine 36 with glutamic acid.
Molecular consequence: missense variant.
Genome position (GRCh38, 1-based): chr17:70,175,145, A>G. VCF-style: chr17-70175145-A-G. GRCh37 (hg19) VCF-style: chr17-68171286-A-G.
Other names: short protein forms K36E.
Identifiers: ClinVar variation 2120833 (VCV002120833.4), dbSNP rs2509920772, ClinGen allele CA400859876.

ClinVar aggregate classification (germline): Uncertain significance (1 of 4 stars; one submission).

Conditions:
Short QT syndrome type 3. Identifiers: Orphanet 51083, MedGen C1865018, MONDO:0012314, OMIM 609622.
Andersen Tawil syndrome (LQT7). Also called: ANDERSEN CARDIODYSRHYTHMIC PERIODIC PARALYSIS; LONG QT SYNDROME 7; Potassium-sensitive periodic paralysis, ventricular ectopy, and dysmorphic features; PERIODIC PARALYSIS, POTASSIUM-SENSITIVE CARDIODYSRHYTHMIC TYPE; Andersen Syndrome. Identifiers: Orphanet 37553, MedGen C1563715, MONDO:0008222, OMIM 170390.

Allele frequency attached by ClinVar (database versions not stated): gnomAD exomes below 0.00001.
gnomAD v4.1: 1 of 1,614,210 alleles (0.000062%); highest among the groups gnomAD compares: Non-Finnish European, 0.000085%; no homozygotes.

Submission:

Labcorp Genetics (formerly Invitae), Labcorp
Classification: Uncertain significance for Short QT syndrome type 3; Andersen Tawil syndrome. Last evaluated: 2022-04-02. Review status: criteria provided, single submitter. Criteria: Invitae Variant Classification Sherloc (09022015). Collection method: clinical testing. Allele origin: germline.
Comment: This sequence change replaces lysine, which is basic and polar, with glutamic acid, which is acidic and polar, at codon 36 of the KCNJ2 protein (p.Lys36Glu). This variant is not present in population databases (gnomAD no frequency). This variant has not been reported in the literature in individuals affected with KCNJ2-related conditions. Algorithms developed to predict the effect of missense changes on protein structure and function are either unavailable or do not agree on the potential impact of this missense change (SIFT: "Deleterious"; PolyPhen-2: "Benign"; Align-GVGD: "Class C0"). In summary, the available evidence is currently insufficient to determine the role of this variant in disease. Therefore, it has been classified as a Variant of Uncertain Significance.